The following is an entry in ClinVar:

ClinVar aggregate classification (germline): Conflicting classifications of pathogenicity. Review status: criteria provided, conflicting classifications (1 of 4 stars). 6 submissions from 6 submitters: Uncertain significance (3); Likely benign (1). 2 of the submissions do not count toward it. Last evaluated 2026-01-21.

Conditions:
MYO7A-related disorder. Also called: MYO7A-related disorders.
Usher syndrome type 1B (USH1B). Also called: Usher syndrome type IB. Identifiers: MedGen C1848638, MONDO:0700087.

Allele frequency attached by ClinVar (database versions not stated): gnomAD 0.00009; gnomAD exomes 0.00011; TOPMed 0.00011; ExAC 0.00018.

Submissions (6):

Labcorp Genetics (formerly Invitae), Labcorp
Classification: Likely benign. Last evaluated: 2026-01-21. Review status: criteria provided, single submitter. Criteria: Invitae Variant Classification Sherloc (09022015). Collection method: clinical testing. Allele origin: germline.

GeneDx
Classification: Uncertain significance. Last evaluated: 2025-04-09. Review status: criteria provided, single submitter. Criteria: GeneDx Variant Classification Process June 2021. Collection method: clinical testing. Allele origin: germline. Affected: yes.
Comment: In silico analysis supports that this missense variant has a deleterious effect on protein structure/function; Has not been previously published as pathogenic or benign to our knowledge

Blueprint Genetics
Classification: Uncertain significance. Last evaluated: 2022-05-23. Review status: criteria provided, single submitter. Criteria: ACMG Guidelines, 2015. Collection method: clinical testing. Allele origin: germline.

Laboratory for Molecular Medicine, Mass General Brigham Personalized Medicine
Classification: Uncertain significance. Last evaluated: 2011-09-02. Review status: criteria provided, single submitter. Criteria: LMM Criteria. Collection method: clinical testing. Allele origin: germline. Observed: 1 variant allele.
Comment: Variant classified as Uncertain Significance - Favor Benign. The Arg2070Gln vari ant in MYO7A has not been reported in the literature nor previously identified b y our laboratory. Computational analyses (biochemical amino acid properties, hom ology, PolyPhen2, SIFT, AlignGVGD) do not provide strong support for or against pathogenicity. In summary, the clinical significance of this variant cannot be d etermined at this time.

PreventionGenetics, part of Exact Sciences
Classification: Uncertain significance for MYO7A-related condition. Last evaluated: 2024-09-18. Review status: no assertion criteria provided. Collection method: clinical testing. Allele origin: germline. Not counted in ClinVar's aggregate classification.
Comment: The MYO7A c.6209G>A variant is predicted to result in the amino acid substitution p.Arg2070Gln. To our knowledge, this variant has not been reported in the literature. This variant is reported in 0.025% of alleles in individuals of East Asian descent in gnomAD. At this time, the clinical significance of this variant is uncertain due to the absence of conclusive functional and genetic evidence.

Natera, Inc.
Classification: Uncertain significance for Usher syndrome type 1B. Last evaluated: 2019-11-11. Review status: no assertion criteria provided. Collection method: clinical testing. Allele origin: germline. Not counted in ClinVar's aggregate classification.

NM_000260.4(MYO7A):c.6209G>A (p.Arg2070Gln)

Gene: MYO7A (myosin VIIA; plus strand). Cytogenetic location: 11q13.5.
Variant type: single nucleotide variant.
Coding change: c.6209G>A on transcript NM_000260.4 (MANE Select); coding-DNA position 6209, G replaced by A.
Protein change: p.Arg2070Gln; replaces arginine 2070 with glutamine.
Molecular consequence: missense variant.
Genome position (GRCh38, 1-based): chr11:77,211,309, G>A. VCF-style: chr11-77211309-G-A. GRCh37 (hg19) VCF-style: chr11-76922354-G-A.
Other names: c.6095G>A, p.Arg2032Gln (NM_001127180.2); c.6062G>A, p.Arg2021Gln (NM_001369365.1); short protein forms R2070Q, R2032Q, R2021Q.
Identifiers: ClinVar variation 43321 (VCV000043321.19), dbSNP rs397516328, ClinGen allele CA132424.